The following is an entry in ClinVar:

ClinVar aggregate classification (germline): Uncertain significance (1 of 4 stars; one submission).

Submission:

Ambry Genetics
Classification: Uncertain significance. Last evaluated: 2025-11-20. Review status: criteria provided, single submitter. Criteria: Ambry Variant Classification Scheme 2023. Collection method: clinical testing. Allele origin: germline.
Comment: The p.S586T variant (also known as c.1756T>A), located in coding exon 12 of the RINT1 gene, results from a T to A substitution at nucleotide position 1756. The serine at codon 586 is replaced by threonine, an amino acid with similar properties. This amino acid position is conserved. In addition, this alteration is predicted to be tolerated by in silico analysis. Since supporting evidence is limited at this time, the clinical significance of this alteration remains unclear.

NM_021930.6(RINT1):c.1756T>A (p.Ser586Thr)

Gene: RINT1 (RAD50 interactor 1; plus strand). Cytogenetic location: 7q22.3.
Variant type: single nucleotide variant.
Coding change: c.1756T>A on transcript NM_021930.6 (MANE Select); coding-DNA position 1756, T replaced by A.
Protein change: p.Ser586Thr; replaces serine 586 with threonine.
Molecular consequence: missense variant. On other transcripts: non-coding transcript variant (1).
Genome position (GRCh38, 1-based): chr7:105,563,817, T>A. VCF-style: chr7-105563817-T-A. GRCh37 (hg19) VCF-style: chr7-105204264-T-A.
Other names: c.1522T>A, p.Ser508Thr (NM_001346599.2); c.733T>A, p.Ser245Thr (NM_001346600.2, NM_001346603.2); c.832T>A, p.Ser278Thr (NM_001346601.2); short protein forms S586T, S245T, S508T, S278T.
Identifiers: ClinVar variation 2563351 (VCV002563351.3), dbSNP rs552354215, ClinGen allele CA368813768.